The following is an entry in ClinVar:

NM_001875.5(CPS1):c.4260C>G (p.Leu1420=)

Gene: CPS1 (carbamoyl-phosphate synthase 1; plus strand). Cytogenetic location: 2q34.
Variant type: single nucleotide variant.
Coding change: c.4260C>G on transcript NM_001875.5 (MANE Select); coding-DNA position 4260, C replaced by G.
Protein change: p.Leu1420=; no amino-acid change (leucine 1420 retained).
Molecular consequence: synonymous variant. On other transcripts: non-coding transcript variant (2).
Genome position (GRCh38, 1-based): chr2:210,675,826, C>G. VCF-style: chr2-210675826-C-G. GRCh37 (hg19) VCF-style: chr2-211540550-C-G.
Other names: c.4260C>G (LRG_336t1); c.4260C>G, p.Leu1420= (NM_001122633.3, NM_001369257.1); c.4293C>G, p.Leu1431= (NM_001369256.1).
Identifiers: ClinVar variation 334035 (VCV000334035.22), dbSNP rs138395129, ClinGen allele CA2087232.

ClinVar aggregate classification (germline): Benign. Review status: criteria provided, multiple submitters, no conflicts (2 of 4 stars). 6 submissions from 6 submitters: Benign (4). 2 of the submissions do not count toward it. Last evaluated 2026-02-01.

Conditions:
CPS1-related disorder. Also called: CPS1-related condition.
Congenital hyperammonemia, type I. Also called: CPS I DEFICIENCY; Carbamoyl phosphate synthetase 1 deficiency; Hyperammonemia due to carbamoyl phosphate synthetase 1 deficiency; CPS 1 deficiency; Carbamyl phosphate synthetase (CPS) deficiency; Carbamoyl phosphate synthetase I deficiency disease. Identifiers: Orphanet 147, MedGen C4082171, MONDO:0009376, OMIM 237300.

Allele frequency attached by ClinVar (database versions not stated): gnomAD exomes 0.00055 and 0.00145; ExAC 0.00172; 1000 Genomes Project 0.00559; 1000 Genomes Project 30x 0.00562; gnomAD 0.00581 and 0.00621; TOPMed 0.00637; ESP Exome Variant Server 0.00654.
gnomAD v4.1: 1,660 of 1,527,520 alleles (0.11%); highest among the groups gnomAD compares: African/African-American, 2%; 19 homozygotes.

Submissions (6):

Labcorp Genetics (formerly Invitae), Labcorp
Classification: Benign for Congenital hyperammonemia, type I. Last evaluated: 2026-02-01. Review status: criteria provided, single submitter. Criteria: Invitae Variant Classification Sherloc (09022015). Collection method: clinical testing. Allele origin: germline.

Illumina Laboratory Services, Illumina
Classification: Benign for Congenital hyperammonemia, type I. Last evaluated: 2018-01-12. Review status: criteria provided, single submitter. Criteria: ICSL Variant Classification Criteria 13 December 2019. Collection method: clinical testing. Allele origin: germline.
Comment: This variant was observed in the ICSL laboratory as part of a predisposition screen in an ostensibly healthy population. It had not been previously curated by ICSL or reported in the Human Gene Mutation Database (HGMD: prior to June 1st, 2018), and was therefore a candidate for classification through an automated scoring system. Utilizing variant allele frequency, disease prevalence and penetrance estimates, and inheritance mode, an automated score was calculated to assess if this variant is too frequent to cause the disease. Based on the score and internal cut-off values, a variant classified as benign is not then subjected to further curation. The score for this variant resulted in a classification of benign for this disease.

GeneDx
Classification: Benign. Last evaluated: 2016-06-28. Review status: criteria provided, single submitter. Criteria: GeneDx Variant Classification (06012015). Collection method: clinical testing. Allele origin: germline. Affected: yes.
Comment: This variant is considered likely benign or benign based on one or more of the following criteria: it is a conservative change, it occurs at a poorly conserved position in the protein, it is predicted to be benign by multiple in silico algorithms, and/or has population frequency not consistent with disease.

Breakthrough Genomics
Classification: Benign. Review status: criteria provided, single submitter. Criteria: ACMG Guidelines, 2015. Collection method: not provided. Allele origin: germline. Inheritance: Autosomal recessive inheritance. Affected: yes.

Natera, Inc.
Classification: Benign for Carbamoyl-phosphate synthase I deficiency. Last evaluated: 2020-09-16. Review status: no assertion criteria provided. Collection method: clinical testing. Allele origin: germline. Not counted in ClinVar's aggregate classification.

PreventionGenetics, part of Exact Sciences
Classification: Likely benign for CPS1-related condition. Last evaluated: 2020-01-08. Review status: no assertion criteria provided. Collection method: clinical testing. Allele origin: germline. Not counted in ClinVar's aggregate classification.
Comment: This variant is classified as likely benign based on ACMG/AMP sequence variant interpretation guidelines (Richards et al. 2015 PMID: 25741868, with internal and published modifications).